The following is an entry in ClinVar:

NM_002055.5(GFAP):c.1171+444C>T

Gene: GFAP (glial fibrillary acidic protein; minus strand). Cytogenetic location: 17q21.31.
Variant type: single nucleotide variant.
Coding change: c.1171+444C>T on transcript NM_002055.5 (MANE Select); 444 bases into the intron after coding-DNA position 1171, C replaced by T.
Molecular consequence: intron variant. On other transcripts: nonsense (2), 3 prime UTR variant (1).
Genome position (GRCh38, 1-based): chr17:44,910,171, G>A on the plus strand (C>T on the coding strand, the complement: GFAP is on the minus strand). VCF-style: chr17-44910171-G-A. GRCh37 (hg19) VCF-style: chr17-42987539-G-A.
Other names: c.1261C>T, p.Gln421Ter (NM_001131019.3, NM_001363846.2); c.*298C>T (NM_001242376.3); short protein forms Q421*.
Identifiers: ClinVar variation 2201672 (VCV002201672.6), dbSNP rs199499396, ClinGen allele CA8608694.

ClinVar aggregate classification (germline): Likely benign. Review status: reviewed by expert panel (3 of 4 stars). 3 submissions from 3 submitters: Likely benign (1). 2 of the submissions do not count toward it. Last evaluated 2026-08-18.

Conditions:
Alexander disease (ALXDRD). Also called: Alexander's disease. Identifiers: Orphanet 58, MedGen C0270726, MONDO:0008752, OMIM 203450.

Allele frequency attached by ClinVar (database versions not stated): gnomAD 0.00001; ExAC 0.00002; gnomAD exomes 0.00005; TOPMed 0.00015; ESP Exome Variant Server 0.00019.
gnomAD v4.1: 70 of 1,613,564 alleles (0.0043%); highest among the groups gnomAD compares: Admixed American, 0.0083%; no homozygotes.

Submissions (3):

ClinGen Leukodystrophy and Leukoencephalopathy Variant Curation Expert Panel, ClinGen
Classification: Likely benign for Alexander disease. Last evaluated: 2026-08-18. Review status: reviewed by expert panel. Criteria: ClinGen Leuko ACMG Specifications GFAP V1.0. Collection method: curation. Allele origin: germline. Inheritance: Autosomal dominant inheritance.
Comment: The c.1171+444C>T variant in GFAP is an intronic variant. The GrpMax filtering allele frequency in gnomAD v4.1.0 is 0.00004721 from the Non-Finnish European genetic ancestry group (the lower threshold of the 95% CI of 62/1179628 alleles), which is higher than the ClinGen Leukodystrophy and Leukoencephalopathy VCEP threshold (>0.00001) for BS1, and therefore meets this criterion (BS1). In summary, this variant meets the criteria to be classified as likely benign based on the lack of ACMG/AMP criteria applied, as specified by the ClinGen Leukodystrophy and Leukoencephalopathy VCEP: BS1 (ClinGen Leukodystrophy and Leukoencephalopathy VCEP Specifications Version 1.0.0).

Women's Health and Genetics/Laboratory Corporation of America, LabCorp
Classification: Uncertain significance. Last evaluated: 2025-06-27. Review status: criteria provided, single submitter. Criteria: LabCorp Variant Classification Summary - May 2015. Collection method: clinical testing. Allele origin: germline. Not counted in ClinVar's aggregate classification.
Comment: Variant summary: GFAP c.1171+444C>T is located at a position not widely known to affect splicing. This variant is also known as c.1261C>T (p.Gln421Ter) in transcript NM_001131019.3. Consensus agreement among computation tools predict no significant impact on normal splicing. However, these predictions have yet to be confirmed by functional studies. The variant allele was found at a frequency of 4.3e-05 in 1613564 control chromosomes. This frequency is not significantly higher than estimated for a pathogenic variant in GFAP causing Alexander Disease, allowing no conclusion about variant significance. To our knowledge, no occurrence of c.1171+444C>T in individuals affected with Alexander Disease and no experimental evidence demonstrating its impact on protein function have been reported. ClinVar contains an entry for this variant (Variation ID: 2201672). Based on the evidence outlined above, the variant was classified as uncertain significance.

Labcorp Genetics (formerly Invitae), Labcorp
Classification: Uncertain significance. Last evaluated: 2023-05-23. Review status: criteria provided, single submitter. Criteria: Invitae Variant Classification Sherloc (09022015). Collection method: clinical testing. Allele origin: germline. Not counted in ClinVar's aggregate classification.
Comment: This variant has not been reported in the literature in individuals affected with GFAP-related conditions. This variant is present in population databases (rs199499396, gnomAD 0.01%). This sequence change creates a premature translational stop signal (p.Gln421*) in the GFAP gene. While this is not anticipated to result in nonsense mediated decay, it is expected to disrupt the last 11 amino acid(s) of the GFAP protein. The GFAP gene has multiple clinically relevant transcripts. This variant occurs in alternate transcript NM_001131019.2, and corresponds to NM_002055.4:c.1171+444C>T in the primary transcript. ClinVar contains an entry for this variant (Variation ID: 2201672). In summary, the available evidence is currently insufficient to determine the role of this variant in disease. Therefore, it has been classified as a Variant of Uncertain Significance. Algorithms developed to predict the effect of sequence changes on RNA splicing suggest that this variant may disrupt the consensus splice site. Experimental studies and prediction algorithms are not available or were not evaluated, and the functional significance of this variant is currently unknown.